The following is an entry in ClinVar:

NM_005751.5(AKAP9):c.6287T>C (p.Val2096Ala)

Gene: AKAP9 (A-kinase anchoring protein 9; plus strand). Cytogenetic location: 7q21.2.
Variant type: single nucleotide variant.
Coding change: c.6287T>C on transcript NM_005751.5 (MANE Select); coding-DNA position 6287, T replaced by C.
Protein change: p.Val2096Ala; replaces valine 2096 with alanine.
Molecular consequence: missense variant.
Genome position (GRCh38, 1-based): chr7:92,066,503, T>C. VCF-style: chr7-92066503-T-C. GRCh37 (hg19) VCF-style: chr7-91695817-T-C.
Other names: c.932T>C, p.Val311Ala (NM_001379277.1); c.6287T>C, p.Val2096Ala (NM_147185.3); short protein forms V311A, V2096A.
Identifiers: ClinVar variation 4034198 (VCV004034198.1).

ClinVar aggregate classification (germline): Uncertain significance (1 of 4 stars; one submission).

Conditions:
Cardiovascular phenotype. Identifiers: MedGen CN230736.

Submission:

Ambry Genetics
Classification: Uncertain significance for Cardiovascular phenotype. Last evaluated: 2025-05-30. Review status: criteria provided, single submitter. Criteria: Ambry Variant Classification Scheme 2023. Collection method: clinical testing. Allele origin: germline.
Comment: The p.V2096A variant (also known as c.6287T>C), located in coding exon 26 of the AKAP9 gene, results from a T to C substitution at nucleotide position 6287. The valine at codon 2096 is replaced by alanine, an amino acid with similar properties. This amino acid position is conserved. In addition, this alteration is predicted to be tolerated by in silico analysis. Based on the available evidence, the clinical significance of this variant remains unclear.